The following is an entry in ClinVar:

NM_177438.3(DICER1):c.5180A>G (p.His1727Arg)

Gene: DICER1 (dicer 1, ribonuclease III; minus strand). Cytogenetic location: 14q32.13.
Variant type: single nucleotide variant.
Coding change: c.5180A>G on transcript NM_177438.3 (MANE Select); coding-DNA position 5180, A replaced by G.
Protein change: p.His1727Arg; replaces histidine 1727 with arginine.
Molecular consequence: missense variant.
Genome position (GRCh38, 1-based): chr14:95,094,072, T>C on the plus strand (A>G on the coding strand, the complement: DICER1 is on the minus strand). VCF-style: chr14-95094072-T-C. GRCh37 (hg19) VCF-style: chr14-95560409-T-C.
Other names: c.5180A>G, p.His1727Arg (NM_001195573.1, NM_001271282.3, NM_001291628.2 and 1 more transcripts); short protein forms H1727R.
Identifiers: ClinVar variation 578534 (VCV000578534.12), dbSNP rs1262583273, ClinGen allele CA390865267.

ClinVar aggregate classification (germline): Uncertain significance. Review status: criteria provided, multiple submitters, no conflicts (2 of 4 stars). 2 submissions from 2 submitters: Uncertain significance (2). Last evaluated 2022-11-07.

Conditions:
Hereditary cancer-predisposing syndrome. Also called: Hereditary neoplastic syndrome; Tumor predisposition; Hereditary Cancer Syndrome; Neoplastic Syndromes, Hereditary. Identifiers: Orphanet 140162, MedGen C0027672, MeSH D009386, MONDO:0015356.
DICER1-related tumor predisposition. Also called: DICER1 syndrome; DICER1-related pleuropulmonary blastoma cancer predisposition syndrome. Identifiers: Orphanet 284343, MedGen C3839822, MONDO:0100216.

Submissions (2):

Ambry Genetics
Classification: Uncertain significance for Hereditary cancer-predisposing syndrome. Last evaluated: 2022-11-07. Review status: criteria provided, single submitter. Criteria: Ambry Variant Classification Scheme 2023. Collection method: clinical testing. Allele origin: germline.
Comment: The p.H1727R variant (also known as c.5180A>G), located in coding exon 23 of the DICER1 gene, results from an A to G substitution at nucleotide position 5180. The histidine at codon 1727 is replaced by arginine, an amino acid with highly similar properties. This amino acid position is highly conserved in available vertebrate species. In addition, this alteration is predicted to be deleterious by in silico analysis. Since supporting evidence is limited at this time, the clinical significance of this alteration remains unclear.

Labcorp Genetics (formerly Invitae), Labcorp
Classification: Uncertain significance for DICER1-related tumor predisposition. Last evaluated: 2018-03-28. Review status: criteria provided, single submitter. Criteria: Invitae Variant Classification Sherloc (09022015). Collection method: clinical testing. Allele origin: germline.
Comment: In summary, the available evidence is currently insufficient to determine the role of this variant in disease. Therefore, it has been classified as a Variant of Uncertain Significance. Algorithms developed to predict the effect of missense changes on protein structure and function do not agree on the potential impact of this missense change (SIFT: "Deleterious"; PolyPhen-2: "Probably Damaging"; Align-GVGD: "Class C0"). This variant has not been reported in the literature in individuals with DICER1-related disease. This variant is not present in population databases (ExAC no frequency). This sequence change replaces histidine with arginine at codon 1727 of the DICER1 protein (p.His1727Arg). The histidine residue is highly conserved and there is a small physicochemical difference between histidine and arginine.